The following is an entry in ClinVar:

NM_001080.3(ALDH5A1):c.1264C>T (p.Pro422Ser)

Gene: ALDH5A1 (aldehyde dehydrogenase 5 family member A1; plus strand). Cytogenetic location: 6p22.3.
Variant type: single nucleotide variant.
Coding change: c.1264C>T on transcript NM_001080.3 (MANE Select); coding-DNA position 1264, C replaced by T.
Protein change: p.Pro422Ser; replaces proline 422 with serine.
Molecular consequence: missense variant.
Genome position (GRCh38, 1-based): chr6:24,528,087, C>T. VCF-style: chr6-24528087-C-T. GRCh37 (hg19) VCF-style: chr6-24528315-C-T.
Other names: c.1120C>T, p.Pro374Ser (NM_001368954.1); c.1303C>T, p.Pro435Ser (NM_170740.1); short protein forms P422S, P374S, P435S.
Identifiers: ClinVar variation 1431364 (VCV001431364.6), dbSNP rs752944770, ClinGen allele CA3656892.

ClinVar aggregate classification (germline): Uncertain significance. Review status: criteria provided, multiple submitters, no conflicts (2 of 4 stars). 3 submissions from 3 submitters: Uncertain significance (3). Last evaluated 2024-12-05.

Conditions:
Succinate-semialdehyde dehydrogenase deficiency (SSADHD). Also called: 4-HYDROXYBUTYRIC ACIDURIA; GABA METABOLIC DEFECT; SSADH DEFICIENCY; Succinic Semialdehyde Dehydrogenase Deficiency. Identifiers: Orphanet 22, MedGen C0268631, MONDO:0010083, OMIM 271980.
Inborn genetic diseases. Identifiers: MedGen C0950123, MeSH D030342.

Allele frequency attached by ClinVar (database versions not stated): gnomAD exomes 0.00003 and 0.00004; ExAC 0.00004.

Submissions (3):

Ambry Genetics
Classification: Uncertain significance for Inborn genetic diseases. Last evaluated: 2024-12-05. Review status: criteria provided, single submitter. Criteria: Ambry Variant Classification Scheme 2023. Collection method: clinical testing. Allele origin: germline.

Centre of Medical Genetics, University Hospital Muenster
Classification: Uncertain significance. Last evaluated: 2023-09-29. Review status: criteria provided, single submitter. Criteria: ACMG Guidelines, 2015. Collection method: clinical testing. Allele origin: unknown. Affected: yes. Observed: 1 variant allele, 1 heterozygote.
Comment: ACMG categories: PS4,PP3

Labcorp Genetics (formerly Invitae), Labcorp
Classification: Uncertain significance for Succinate-semialdehyde dehydrogenase deficiency. Last evaluated: 2022-10-18. Review status: criteria provided, single submitter. Criteria: Invitae Variant Classification Sherloc (09022015). Collection method: clinical testing. Allele origin: germline.
Comment: This sequence change replaces proline, which is neutral and non-polar, with serine, which is neutral and polar, at codon 422 of the ALDH5A1 protein (p.Pro422Ser). This variant is present in population databases (rs752944770, gnomAD 0.004%). This variant has not been reported in the literature in individuals affected with ALDH5A1-related conditions. ClinVar contains an entry for this variant (Variation ID: 1431364). Algorithms developed to predict the effect of missense changes on protein structure and function (SIFT, PolyPhen-2, Align-GVGD) all suggest that this variant is likely to be disruptive. In summary, the available evidence is currently insufficient to determine the role of this variant in disease. Therefore, it has been classified as a Variant of Uncertain Significance.